The following is an entry in ClinVar:

ClinVar aggregate classification (germline): Likely benign. Review status: criteria provided, multiple submitters, no conflicts (2 of 4 stars). 5 submissions from 5 submitters: Likely benign (4). 1 of the submissions does not count toward it. Last evaluated 2025-11-18.

Conditions:
Malignant hyperthermia, susceptibility to, 1 (MHS1). Also called: RYR1-Related Malignant Hyperthermia Susceptibility; Malignant hyperthermia suceptibility 1; Anesthesia related hyperthermia; Malignant hyperpyrexia; Fulminating hyperpyrexia; Pharmacogenic myopathy. Identifiers: Orphanet 423, MedGen C2930980, MONDO:0007783, OMIM 145600.
RYR1-related disorder. Also called: RYR1-related disorders; RYR1-related condition. Identifiers: MedGen CN239331.

Allele frequency attached by ClinVar (database versions not stated): gnomAD 0.00001; gnomAD exomes 0.00001 and 0.00003; TOPMed 0.00002; ExAC 0.00004.
gnomAD v4.1: 25 of 1,602,352 alleles (0.0016%); highest among the groups gnomAD compares: South Asian, 0.0088%; no homozygotes.

Submissions (5):

Labcorp Genetics (formerly Invitae), Labcorp
Classification: Likely benign for RYR1-related disorder. Last evaluated: 2025-11-18. Review status: criteria provided, single submitter. Criteria: Invitae Variant Classification Sherloc (09022015). Collection method: clinical testing. Allele origin: germline.

Blueprint Genetics
Classification: Likely benign. Last evaluated: 2024-05-29. Review status: criteria provided, single submitter. Criteria: ACMG Guidelines, 2015. Collection method: clinical testing. Allele origin: germline.

All of Us Research Program, National Institutes of Health
Classification: Likely benign for Malignant hyperthermia, susceptibility to, 1. Last evaluated: 2023-12-13. Review status: criteria provided, single submitter. Criteria: ACMG Guidelines, 2015. Collection method: clinical testing. Allele origin: germline. Inheritance: Autosomal dominant inheritance. Observed: 4 variant alleles, 4 heterozygotes.
Comment: This study involves interpretation of variants in research participants for the purpose of population health screening. Participant phenotype was not available at the time of variant classification. Additional details can be found in publication PMID: 35346344, PMCID: PMC8962531

Color Diagnostics, LLC DBA Color Health
Classification: Likely benign for Malignant hyperthermia, susceptibility to, 1. Last evaluated: 2022-05-06. Review status: criteria provided, single submitter. Criteria: ACMG Guidelines, 2015. Collection method: clinical testing. Allele origin: germline.

PreventionGenetics, part of Exact Sciences
Classification: Likely benign for RYR1-related condition. Last evaluated: 2024-07-30. Review status: no assertion criteria provided. Collection method: clinical testing. Allele origin: germline. Not counted in ClinVar's aggregate classification.
Comment: This variant is classified as likely benign based on ACMG/AMP sequence variant interpretation guidelines (Richards et al. 2015 PMID: 25741868, with internal and published modifications).

NM_000540.3(RYR1):c.7158C>A (p.Ile2386=)

Gene: RYR1 (ryanodine receptor 1; plus strand). Cytogenetic location: 19q13.2.
Variant type: single nucleotide variant.
Coding change: c.7158C>A on transcript NM_000540.3 (MANE Select); coding-DNA position 7158, C replaced by A.
Protein change: p.Ile2386=; no amino-acid change (isoleucine 2386 retained).
Molecular consequence: synonymous variant.
Genome position (GRCh38, 1-based): chr19:38,499,765, C>A. VCF-style: chr19-38499765-C-A. GRCh37 (hg19) VCF-style: chr19-38990405-C-A.
Other names: c.7158C>A, p.Ile2386= (NM_001042723.2); c.7158C>A (NM_000540.2).
Identifiers: ClinVar variation 1141265 (VCV001141265.12), dbSNP rs761292590, ClinGen allele CA069193.